The following is an entry in ClinVar:

ClinVar aggregate classification (germline): Likely benign (1 of 4 stars; one submission).

Submission:

CeGaT Center for Human Genetics Tuebingen
Classification: Likely benign. Last evaluated: 2024-01-01. Review status: criteria provided, single submitter. Criteria: CeGaT Center For Human Genetics Tuebingen Variant Classification Criteria Version 2. Collection method: clinical testing. Allele origin: germline. Affected: yes. Observed: 1 variant allele.
Comment: PIGQ: PM2:Supporting, BP4, BP7

NM_004204.5(PIGQ):c.420G>A (p.Gln140=)

Gene: PIGQ (phosphatidylinositol glycan anchor biosynthesis class Q; plus strand). Cytogenetic location: 16p13.3.
Variant type: single nucleotide variant.
Coding change: c.420G>A on transcript NM_004204.5 (MANE Select); coding-DNA position 420, G replaced by A.
Protein change: p.Gln140=; no amino-acid change (glutamine 140 retained).
Molecular consequence: synonymous variant.
Genome position (GRCh38, 1-based): chr16:574,494, G>A. VCF-style: chr16-574494-G-A. GRCh37 (hg19) VCF-style: chr16-624494-G-A.
Other names: c.420G>A, p.Gln140= (NM_148920.4).
Identifiers: ClinVar variation 3026937 (VCV003026937.22), dbSNP rs2505931486, ClinGen allele CA493001914.